The following is an entry in ClinVar:

ClinVar aggregate classification (germline): Uncertain significance (1 of 4 stars; one submission).

Submission:

Labcorp Genetics (formerly Invitae), Labcorp
Classification: Uncertain significance. Last evaluated: 2024-05-06. Review status: criteria provided, single submitter. Criteria: Invitae Variant Classification Sherloc (09022015). Collection method: clinical testing. Allele origin: germline.
Comment: This sequence change replaces histidine, which is basic and polar, with asparagine, which is neutral and polar, at codon 313 of the POLG2 protein (p.His313Asn). This variant is not present in population databases (gnomAD no frequency). This variant has not been reported in the literature in individuals affected with POLG2-related conditions. ClinVar contains an entry for this variant (Variation ID: 1940831). Algorithms developed to predict the effect of missense changes on protein structure and function output the following: SIFT: "Not Available"; PolyPhen-2: "Benign"; Align-GVGD: "Not Available". The asparagine amino acid residue is found in multiple mammalian species, which suggests that this missense change does not adversely affect protein function. In summary, the available evidence is currently insufficient to determine the role of this variant in disease. Therefore, it has been classified as a Variant of Uncertain Significance.

NM_007215.4(POLG2):c.937C>A (p.His313Asn)

Genes: MILR1 (mast cell immunoglobulin like receptor 1; plus strand), POLG2 (DNA polymerase gamma 2, accessory subunit; minus strand). Cytogenetic location: 17q23.3.
Variant type: single nucleotide variant.
Coding change: c.937C>A on transcript NM_007215.4 (MANE Select); coding-DNA position 937, C replaced by A.
Protein change: p.His313Asn; replaces histidine 313 with asparagine.
Molecular consequence: missense variant.
Genome position (GRCh38, 1-based): chr17:64,490,828, G>T on the plus strand (C>A on the coding strand, the complement: POLG2 is on the minus strand). VCF-style: chr17-64490828-G-T. GRCh37 (hg19) VCF-style: chr17-62486945-G-T.
Other names: short protein forms H313N.
Identifiers: ClinVar variation 1940831 (VCV001940831.5), dbSNP rs782605785, ClinGen allele CA400638460.